The following is an entry in ClinVar:

ClinVar aggregate classification (germline): Pathogenic/Likely pathogenic. Review status: criteria provided, multiple submitters, no conflicts (2 of 4 stars). 3 submissions from 3 submitters: Pathogenic (1); Likely pathogenic (1). 1 of the submissions does not count toward it. Last evaluated 2026-01-12.

Conditions:
ALG12-related disorder. Also called: ALG12-related condition.
ALG12-congenital disorder of glycosylation (CDG1G). Also called: CDG Ig; Congenital disorder of glycosylation, type Ig; ALG12-CDG. Identifiers: Orphanet 79324, MedGen C2931001, MONDO:0011783, OMIM 607143.

Submissions (3):

Dasa
Classification: Likely pathogenic. Last evaluated: 2026-01-12. Review status: criteria provided, single submitter. Criteria: DASA Assertion Criteria. Collection method: clinical testing. Allele origin: germline.
Comment: NM_024105.4(ALG12):c.604C>T (p.Arg202*) is a nonsense variant in ALG12 predicted to introduce a premature termination codon and is predicted to result in an absent or altered protein product. Loss of function is an established disease mechanism for ALG12-associated disorders. Also, this variant is rare in population databases. Based on the currently available evidence, this variant is classified as likely pathogenic.

Labcorp Genetics (formerly Invitae), Labcorp
Classification: Pathogenic for ALG12-congenital disorder of glycosylation. Last evaluated: 2025-05-22. Review status: criteria provided, single submitter. Criteria: Invitae Variant Classification Sherloc (09022015). Collection method: clinical testing. Allele origin: germline.
Comment: This sequence change creates a premature translational stop signal (p.Arg202*) in the ALG12 gene. It is expected to result in an absent or disrupted protein product. Loss-of-function variants in ALG12 are known to be pathogenic (PMID: 15639192, 31481313). This variant is present in population databases (rs547640376, gnomAD 0.005%). This variant has not been reported in the literature in individuals affected with ALG12-related conditions. ClinVar contains an entry for this variant (Variation ID: 3358165). For these reasons, this variant has been classified as Pathogenic.

PreventionGenetics, part of Exact Sciences
Classification: Likely pathogenic for ALG12-related condition. Last evaluated: 2024-03-23. Review status: no assertion criteria provided. Collection method: clinical testing. Allele origin: germline. Not counted in ClinVar's aggregate classification.
Comment: The ALG12 c.604C>T variant is predicted to result in premature protein termination (p.Arg202*). To our knowledge, this variant has not been reported in the literature. This variant is reported in 0.0050% of alleles in individuals of East Asian descent in gnomAD. Nonsense variants in ALG12 are expected to be pathogenic. This variant is interpreted as likely pathogenic.

Literature cited by the submitters: PubMed 15639192 (cited by Labcorp Genetics (formerly Invitae), Labcorp); PubMed 31481313 (cited by Labcorp Genetics (formerly Invitae), Labcorp).

NM_024105.4(ALG12):c.604C>T (p.Arg202Ter)

Gene: ALG12 (ALG12 alpha-1,6-mannosyltransferase; minus strand). Cytogenetic location: 22q13.33.
Variant type: single nucleotide variant.
Coding change: c.604C>T on transcript NM_024105.4 (MANE Select); coding-DNA position 604, C replaced by T.
Protein change: p.Arg202Ter; replaces arginine 202 with a stop codon.
Molecular consequence: nonsense.
Genome position (GRCh38, 1-based): chr22:49,909,954, G>A on the plus strand (C>T on the coding strand, the complement: ALG12 is on the minus strand). VCF-style: chr22-49909954-G-A. GRCh37 (hg19) VCF-style: chr22-50303602-G-A.
Other names: short protein forms R202*.
Identifiers: ClinVar variation 3358165 (VCV003358165.5).